The following is an entry in ClinVar:

NM_014254.3(RXYLT1):c.1064_1091del (p.Asp355fs)

Genes: RXYLT1 (ribitol xylosyltransferase 1; plus strand), RXYLT1-AS1 (RXYLT1 antisense RNA 1; minus strand). Cytogenetic location: 12q14.2.
Variant type: Deletion.
Coding change: c.1064_1091del on transcript NM_014254.3 (MANE Select); coding-DNA positions 1064 to 1091, 28 bases deleted (ACGTGATGACAGCTGGCAACTGTGGGAA).
Protein change: p.Asp355fs; shifts the reading frame from aspartic acid 355.
Molecular consequence: frameshift variant.
Genome position (GRCh38, 1-based): chr12:63,808,824-63,808,851, ACGTGATGACAGCTGGCAACTGTGGGAA deleted. VCF-style (leftmost placement, unchanged base first): chr12-63808823-GACGTGATGACAGCTGGCAACTGTGGGAA-G. GRCh37 (hg19) VCF-style: chr12-64202603-GACGTGATGACAGCTGGCAACTGTGGGAA-G.
Other names: c.1064_1091delACGTGATGACAGCTGGCAACTGTGGGAA (NM_014254.2); c.284_311del, p.Asp95fs (NM_001278237.2); short protein forms D355fs, D95fs.
Identifiers: ClinVar variation 39606 (VCV000039606.7), dbSNP rs397514545, ClinGen allele CA130401.
Genomic context (GRCh38, chr12:63,808,823, plus strand): 5'-AACACAGAATGCTATCGAATCTATGAGGCTTGCTCCTATGGCTCCATTCCTGTGGTGGAA[GACGTGATGACAGCTGGCAACTGTGGGAA>G]TACATCTGTGCACCACGGTGCTCCTCTGCAGTTACTCAAGTCCATGGGTGCTCCCTTTAT-3'

ClinVar aggregate classification (germline): Pathogenic/Likely pathogenic. Review status: criteria provided, multiple submitters, no conflicts (2 of 4 stars). 3 submissions from 3 submitters: Pathogenic (1); Likely pathogenic (1). 1 of the submissions does not count toward it. Last evaluated 2023-12-18.

Conditions:
Muscular dystrophy-dystroglycanopathy (congenital with brain and eye anomalies), type a, 10 (MDDGA10). Also called: WALKER-WARBURG SYNDROME OR MUSCLE-EYE-BRAIN DISEASE, TMEM5-RELATED. Identifiers: Orphanet 899, MedGen C3554381, MONDO:0014022, OMIM 615041.

Allele frequency attached by ClinVar (database versions not stated): TOPMed below 0.00001; gnomAD exomes 0.00001.

Submissions (3):

Labcorp Genetics (formerly Invitae), Labcorp
Classification: Likely pathogenic. Last evaluated: 2023-12-18. Review status: criteria provided, single submitter. Criteria: Invitae Variant Classification Sherloc (09022015). Collection method: clinical testing. Allele origin: germline.
Comment: This sequence change creates a premature translational stop signal (p.Asp355Valfs*33) in the RXYLT1 gene. While this is not anticipated to result in nonsense mediated decay, it is expected to disrupt the last 89 amino acid(s) of the RXYLT1 protein. This variant is present in population databases (rs397514545, gnomAD 0.0009%). This premature translational stop signal has been observed in individual(s) with cobblestone lissencephaly (PMID: 23217329). In at least one individual the data is consistent with being in trans (on the opposite chromosome) from a pathogenic variant. ClinVar contains an entry for this variant (Variation ID: 39606). In summary, the currently available evidence indicates that the variant is pathogenic, but additional data are needed to prove that conclusively. Therefore, this variant has been classified as Likely Pathogenic.

Centre for Mendelian Genomics, University Medical Centre Ljubljana
Classification: Pathogenic. Last evaluated: 2020-01-27. Review status: criteria provided, single submitter. Criteria: ACMG Guidelines, 2015. Collection method: clinical testing. Allele origin: unknown. Affected: yes.
Comment: This variant was classified as: Pathogenic. The following ACMG criteria were applied in classifying this variant: PVS1,PM2,PP5.

OMIM
Classification: Pathogenic for MUSCULAR DYSTROPHY-DYSTROGLYCANOPATHY (CONGENITAL WITH BRAIN AND EYE ANOMALIES), TYPE A, 10. Last evaluated: 2012-12-07. Review status: no assertion criteria provided. Collection method: literature only. Allele origin: germline. Not counted in ClinVar's aggregate classification.

Literature cited by the submitters: PubMed 23217329 (cited by Labcorp Genetics (formerly Invitae), Labcorp and OMIM).